The following is an entry in ClinVar:

ClinVar aggregate classification (germline): Pathogenic. Review status: criteria provided, multiple submitters, no conflicts (2 of 4 stars). 8 submissions from 6 submitters: Pathogenic (7). 1 of the submissions does not count toward it. Last evaluated 2025-03-27.

Conditions:
TNNT2-related disorder. Also called: TNNT2-related condition.
Hypertrophic cardiomyopathy 2. Also called: TNNT2-Related Familial Hypertrophic Cardiomyopathy. Identifiers: MedGen C1861864, MONDO:0007266, OMIM 115195.
Cardiomyopathy, familial restrictive, 3. Identifiers: Orphanet 75249, MedGen C2676271, MONDO:0012900, OMIM 612422.
Dilated cardiomyopathy 1D. Identifiers: Orphanet 154, Orphanet 54260, MedGen C1832243, MONDO:0011095, OMIM 601494.
Primary dilated cardiomyopathy (DCM). Also called: Dilated Cardiomyopathy. Identifiers: Orphanet 217604, MedGen C0007193, MeSH D002311, MONDO:0005021, HP:0001644. Inheritance: Various modes of inheritance.

Submissions (8):

3billion
Classification: Pathogenic for Dilated cardiomyopathy 1D. Last evaluated: 2025-03-27. Review status: criteria provided, single submitter. Criteria: ACMG Guidelines, 2015. Collection method: clinical testing. Allele origin: germline. Affected: yes.

Labcorp Genetics (formerly Invitae), Labcorp
Classification: Pathogenic for Cardiomyopathy, familial restrictive, 3; Hypertrophic cardiomyopathy 2; Dilated cardiomyopathy 1D. Last evaluated: 2025-02-12. Review status: criteria provided, single submitter. Criteria: Invitae Variant Classification Sherloc (09022015). Collection method: clinical testing. Allele origin: germline.
Comment: This sequence change replaces arginine, which is basic and polar, with glutamine, which is neutral and polar, at codon 131 of the TNNT2 protein (p.Arg131Gln). This variant is not present in population databases (gnomAD no frequency). This missense change has been observed in individual(s) with dilated cardiomyopathy and/or hypertrophic cardiomyopathy (PMID: 24503780, 27532257, 29367541; internal data). In at least one individual the variant was observed to be de novo. ClinVar contains an entry for this variant (Variation ID: 43637). Invitae Evidence Modeling of protein sequence and biophysical properties (such as structural, functional, and spatial information, amino acid conservation, physicochemical variation, residue mobility, and thermodynamic stability) has been performed for this missense variant. However, the output from this modeling did not meet the statistical confidence thresholds required to predict the impact of this variant on TNNT2 protein function. This variant disrupts the p.Arg131 amino acid residue in TNNT2. Other variant(s) that disrupt this residue have been determined to be pathogenic (PMID: 15542288, 18506004, 21551322, 24119082). This suggests that this residue is clinically significant, and that variants that disrupt this residue are likely to be disease-causing. For these reasons, this variant has been classified as Pathogenic.

Genome-Nilou Lab
Classification: Pathogenic for Dilated cardiomyopathy 1D. Last evaluated: 2023-04-11. Review status: criteria provided, single submitter. Criteria: ACMG Guidelines, 2015. Collection method: clinical testing. Allele origin: germline. Affected: no.

Genome-Nilou Lab
Classification: Pathogenic for Cardiomyopathy, familial restrictive, 3. Last evaluated: 2023-04-11. Review status: criteria provided, single submitter. Criteria: ACMG Guidelines, 2015. Collection method: clinical testing. Allele origin: germline. Affected: no.

Genome-Nilou Lab
Classification: Pathogenic for Hypertrophic cardiomyopathy 2. Last evaluated: 2023-04-11. Review status: criteria provided, single submitter. Criteria: ACMG Guidelines, 2015. Collection method: clinical testing. Allele origin: germline. Affected: no.

GeneDx
Classification: Pathogenic. Last evaluated: 2022-06-17. Review status: criteria provided, single submitter. Criteria: GeneDx Variant Classification Process June 2021. Collection method: clinical testing. Allele origin: germline. Affected: yes.
Comment: Not observed at significant frequency in large population cohorts (gnomAD); In silico analysis supports that this missense variant has a deleterious effect on protein structure/function; This variant is associated with the following publications: (PMID: 34935411, 27532257, 24503780, 29367541, 31918855, 33025817, 35288587, 15542288, 18506004)

Laboratory for Molecular Medicine, Mass General Brigham Personalized Medicine
Classification: Pathogenic for Primary dilated cardiomyopathy. Last evaluated: 2015-02-02. Review status: criteria provided, single submitter. Criteria: LMM Criteria. Collection method: clinical testing. Allele origin: germline. Inheritance: Autosomal dominant inheritance. Observed: 3 variant alleles.
Comment: The p.Arg131Gln variant in TNNT2 has been identified by our laboratory as de nov o in 1 infant and in 1 child with DCM. This variant was absent from large popula tion studies. Additionally, other likely pathogenic amino acid alterations at th is position (p.Arg131Trp and p.Arg131Pro) have been reported, suggesting variati on at this position is not tolerated. Arginine (Arg) at position 131 is highly c onserved in mammals and across evolutionarily distant species and the change to glutamine (Gln) was predicted to be pathogenic using a computational tool clinic ally validated by our laboratory. This tool's pathogenic prediction is estimated to be correct 94% of the time (Jordan 2011). In summary, this variant meets our criteria to be classified as pathogenic for DCM in an autosomal dominant manner based upon multiple de novo occurrences and absence from controls.

PreventionGenetics, part of Exact Sciences
Classification: Likely pathogenic for TNNT2-related condition. Last evaluated: 2023-12-17. Review status: no assertion criteria provided. Collection method: clinical testing. Allele origin: germline. Not counted in ClinVar's aggregate classification.
Comment: The TNNT2 c.392G>A variant is predicted to result in the amino acid substitution p.Arg131Gln. This variant has been reported in individuals affected with dilated cardiomyopathy or hypertrophic cardiomyopathy, and was observed to occur de novo in at least one individual with dilated cardiomyopathy (de novo in Long et al. 2017. PubMed ID: 29367541; Pugh et al. 2014. PubMed ID: 24503780; Walsh et al. 2016. PubMed ID: 27532257; Liu et al. 2019. PubMed ID: 31918855). This variant has not been reported in a large population database, indicating this variant is rare. Additionally, another missense variant at the same amino acid position (i.e. p.Arg131Trp) has been reported in affected individuals (Human Gene Mutation Database). In summary, the c.392G>A (p.Arg131Gln) variant is interpreted as likely pathogenic.

Literature cited by the submitters: PubMed 29367541 (cited by 3billion and Labcorp Genetics (formerly Invitae), Labcorp); PubMed 15542288 (cited by 3billion and Labcorp Genetics (formerly Invitae), Labcorp); PubMed 24503780 (cited by Labcorp Genetics (formerly Invitae), Labcorp and Laboratory for Molecular Medicine, Mass General Brigham Personalized Medicine); PubMed 27532257 (cited by Labcorp Genetics (formerly Invitae), Labcorp); PubMed 18506004 (cited by Labcorp Genetics (formerly Invitae), Labcorp); PubMed 21551322 (cited by Labcorp Genetics (formerly Invitae), Labcorp); PubMed 24119082 (cited by Labcorp Genetics (formerly Invitae), Labcorp).

NM_001276345.2(TNNT2):c.422G>A (p.Arg141Gln)

Gene: TNNT2 (troponin T2, cardiac type; minus strand). Cytogenetic location: 1q32.1.
Variant type: single nucleotide variant.
Coding change: c.422G>A on transcript NM_001276345.2 (MANE Select); coding-DNA position 422, G replaced by A.
Protein change: p.Arg141Gln; replaces arginine 141 with glutamine.
Molecular consequence: missense variant.
Genome position (GRCh38, 1-based): chr1:201,364,365, C>T on the plus strand (G>A on the coding strand, the complement: TNNT2 is on the minus strand). VCF-style: chr1-201364365-C-T. GRCh37 (hg19) VCF-style: chr1-201333493-C-T.
Other names: c.422G>A, p.Arg141Gln (NM_000364.4); c.392G>A, p.Arg131Gln (NM_001001430.3, NM_001001431.3, NM_001276347.2); c.377G>A, p.Arg126Gln (NM_001001432.3); c.302G>A, p.Arg101Gln (NM_001276346.2); short protein forms R131Q, R141Q, R101Q, R126Q.
Identifiers: ClinVar variation 43637 (VCV000043637.19), dbSNP rs397516464, ClinGen allele CA004465.
Genomic context (GRCh38, chr1:201,364,365, plus strand): 5'-CGGTTCTGCCGCTCCTTCTCCCGCTCATTCCGGATGCGCTGCTGCTCGGCCCGCTCTGCC[C>T]GACGTCTCTCCTAAGGAGAAGAGGCAAAGCCCACCCAGGTGTGCATAGGGAGAAGGTGAC-3'
Protein context (NP_001263274.1, residues 131-151): VSLKDRIERR[Arg141Gln]AERAEQQRIR